The following is an entry in ClinVar:

NM_001142800.2(EYS):c.2383T>A (p.Cys795Ser)

Gene: EYS (EGF-like photoreceptor maintenance factor; minus strand). Cytogenetic location: 6q12.
Variant type: single nucleotide variant.
Coding change: c.2383T>A on transcript NM_001142800.2 (MANE Select); coding-DNA position 2383, T replaced by A.
Protein change: p.Cys795Ser; replaces cysteine 795 with serine.
Molecular consequence: missense variant.
Genome position (GRCh38, 1-based): chr6:64,912,742, A>T on the plus strand (T>A on the coding strand, the complement: EYS is on the minus strand). VCF-style: chr6-64912742-A-T. GRCh37 (hg19) VCF-style: chr6-65622635-A-T.
Other names: c.2383T>A, p.Cys795Ser (NM_001292009.2); short protein forms C795S.
Identifiers: ClinVar variation 1020158 (VCV001020158.8), dbSNP rs912541868, ClinGen allele CA140380294.

ClinVar aggregate classification (germline): Uncertain significance (1 of 4 stars; one submission).

Allele frequency attached by ClinVar (database versions not stated): gnomAD exomes below 0.00001; TOPMed below 0.00001; gnomAD 0.00001.
gnomAD v4.1: 3 of 1,338,810 alleles (0.00022%); highest among the groups gnomAD compares: Non-Finnish European, 0.00029%; no homozygotes.

Submission:

Labcorp Genetics (formerly Invitae), Labcorp
Classification: Uncertain significance. Last evaluated: 2022-03-10. Review status: criteria provided, single submitter. Criteria: Invitae Variant Classification Sherloc (09022015). Collection method: clinical testing. Allele origin: germline.
Comment: In summary, the available evidence is currently insufficient to determine the role of this variant in disease. Therefore, it has been classified as a Variant of Uncertain Significance. Algorithms developed to predict the effect of sequence changes on RNA splicing suggest that this variant may create or strengthen a splice site. Algorithms developed to predict the effect of missense changes on protein structure and function (SIFT, PolyPhen-2, Align-GVGD) all suggest that this variant is likely to be disruptive. ClinVar contains an entry for this variant (Variation ID: 1020158). This variant has not been reported in the literature in individuals affected with EYS-related conditions. This variant is not present in population databases (gnomAD no frequency). This sequence change replaces cysteine, which is neutral and slightly polar, with serine, which is neutral and polar, at codon 795 of the EYS protein (p.Cys795Ser).